The following is an entry in ClinVar:

NM_000191.3(HMGCL):c.345A>C (p.Ala115=)

Gene: HMGCL (3-hydroxy-3-methylglutaryl-CoA lyase; minus strand). Cytogenetic location: 1p36.11.
Variant type: single nucleotide variant.
Coding change: c.345A>C on transcript NM_000191.3 (MANE Select); coding-DNA position 345, A replaced by C.
Protein change: p.Ala115=; no amino-acid change (alanine 115 retained).
Molecular consequence: synonymous variant.
Genome position (GRCh38, 1-based): chr1:23,816,678, T>G on the plus strand (A>C on the coding strand, the complement: HMGCL is on the minus strand). VCF-style: chr1-23816678-T-G. GRCh37 (hg19) VCF-style: chr1-24143168-T-G.
Other names: c.345A>C, p.Ala115= (NM_001166059.2).
Identifiers: ClinVar variation 508307 (VCV000508307.9), dbSNP rs761706911, ClinGen allele CA686130.

ClinVar aggregate classification (germline): Likely benign. Review status: criteria provided, multiple submitters, no conflicts (2 of 4 stars). 3 submissions from 3 submitters: Likely benign (3). Last evaluated 2023-04-11.

Conditions:
Deficiency of hydroxymethylglutaryl-CoA lyase (HMGCLD). Also called: HMGCL DEFICIENCY; HYDROXYMETHYLGLUTARIC ACIDURIA; Defect in leucine metabolism; 3-hydroxy-3-methylglutaric aciduria; HMG-CoA LYASE DEFICIENCY. Identifiers: Orphanet 20, MedGen C1533587, MONDO:0009520, OMIM 246450.

Allele frequency attached by ClinVar (database versions not stated): gnomAD 0.00001; gnomAD exomes 0.00001; ExAC 0.00002.
gnomAD v4.1: 16 of 1,597,834 alleles (0.001%); highest among the groups gnomAD compares: Non-Finnish European, 0.0014%; no homozygotes.

Submissions (3):

Genome-Nilou Lab
Classification: Likely benign for Deficiency of hydroxymethylglutaryl-CoA lyase. Last evaluated: 2023-04-11. Review status: criteria provided, single submitter. Criteria: ACMG Guidelines, 2015. Collection method: clinical testing. Allele origin: germline. Affected: no.

Labcorp Genetics (formerly Invitae), Labcorp
Classification: Likely benign for Deficiency of hydroxymethylglutaryl-CoA lyase. Last evaluated: 2023-02-24. Review status: criteria provided, single submitter. Criteria: Invitae Variant Classification Sherloc (09022015). Collection method: clinical testing. Allele origin: germline.

GeneDx
Classification: Likely benign. Last evaluated: 2017-04-17. Review status: criteria provided, single submitter. Criteria: GeneDx Variant Classification (06012015). Collection method: clinical testing. Allele origin: germline. Affected: yes.
Comment: This variant is considered likely benign or benign based on one or more of the following criteria: it is a conservative change, it occurs at a poorly conserved position in the protein, it is predicted to be benign by multiple in silico algorithms, and/or has population frequency not consistent with disease.